The following is an entry in ClinVar:

ClinVar aggregate classification (germline): Uncertain significance (1 of 4 stars; one submission).

Allele frequency attached by ClinVar (database versions not stated): gnomAD exomes below 0.00001; gnomAD 0.00001; TOPMed 0.00001.
gnomAD v4.1: 3 of 1,613,846 alleles (0.00019%); highest among the groups gnomAD compares: Non-Finnish European, 0.00025%; no homozygotes.

Submission:

Labcorp Genetics (formerly Invitae), Labcorp
Classification: Uncertain significance. Last evaluated: 2022-09-01. Review status: criteria provided, single submitter. Criteria: Invitae Variant Classification Sherloc (09022015). Collection method: clinical testing. Allele origin: germline.
Comment: In summary, the available evidence is currently insufficient to determine the role of this variant in disease. Therefore, it has been classified as a Variant of Uncertain Significance. Experimental studies and prediction algorithms are not available or were not evaluated, and the functional significance of this variant is currently unknown. This variant has not been reported in the literature in individuals affected with SLC46A1-related conditions. This variant is present in population databases (no rsID available, gnomAD 0.0009%). This sequence change replaces methionine, which is neutral and non-polar, with isoleucine, which is neutral and non-polar, at codon 442 of the SLC46A1 protein (p.Met442Ile).

NM_080669.6(SLC46A1):c.1326G>C (p.Met442Ile)

Genes: SARM1 (sterile alpha and TIR motif containing 1; plus strand), SLC46A1 (solute carrier family 46 member 1; minus strand). Cytogenetic location: 17q11.2.
Variant type: single nucleotide variant.
Coding change: c.1326G>C on transcript NM_080669.6 (MANE Select); coding-DNA position 1326, G replaced by C.
Protein change: p.Met442Ile; replaces methionine 442 with isoleucine.
Molecular consequence: missense variant. On other transcripts: 3 prime UTR variant (1).
Genome position (GRCh38, 1-based): chr17:28,399,710, C>G on the plus strand (G>C on the coding strand, the complement: SLC46A1 is on the minus strand). VCF-style: chr17-28399710-C-G. GRCh37 (hg19) VCF-style: chr17-26726726-C-G.
Other names: c.1242G>C, p.Met414Ile (NM_001242366.3); c.*3424C>G (NM_015077.4); short protein forms M414I, M442I.
Identifiers: ClinVar variation 1965604 (VCV001965604.5), dbSNP rs1187602665, ClinGen allele CA398341264.
Genomic context (GRCh38, chr17:28,399,710, plus strand): 5'-GGCAGATCAGGGGCTCTGGGGAAACTGCTGGAACTCGAGGTGAGGATCAGCCTTTTCCAG[C>G]ATCCTGTGAGAGACCAGAGAGAGAGTTTGGATTTCATGTGGGGAACCCTCAAGGCCTGTC-3'
Protein context (NP_542400.2, residues 432-452): LLLIPAVLIG[Met442Ile]LEKADPHLEF